The following is an entry in ClinVar:

NM_001953.5(TYMP):c.1335_1363del (p.Leu447fs)

Genes: SCO2 (synthesis of cytochrome C oxidase 2; minus strand), TYMP (thymidine phosphorylase; minus strand), LOC130067862 (ATAC-STARR-seq lymphoblastoid silent region 13986; plus strand). Cytogenetic location: 22q13.33.
Variant type: Deletion.
Coding change: c.1335_1363del on transcript NM_001953.5 (MANE Select); coding-DNA positions 1335 to 1363, 29 bases deleted (CGCGCTCAGCGGCCCGCAGAGCCGCGCCC).
Protein change: p.Leu447fs; shifts the reading frame from leucine 447.
Molecular consequence: frameshift variant. On other transcripts: intron variant (2).
Genome position (GRCh38, 1-based): chr22:50,525,856-50,525,884, GGGCGCGGCTCTGCGGGCCGCTGAGCGCG deleted on the plus strand (CGCGCTCAGCGGCCCGCAGAGCCGCGCCC on the coding strand, the reverse complement: TYMP is on the minus strand); deleting any 29 consecutive bases within chr22:50,525,856-50,525,888 gives the same sequence; the c. name uses the placement nearest the transcript's 3' end. VCF-style (leftmost placement, unchanged base first): chr22-50525855-AGGGCGCGGCTCTGCGGGCCGCTGAGCGCG-A. GRCh37 (hg19) VCF-style: chr22-50964284-AGGGCGCGGCTCTGCGGGCCGCTGAGCGCG-A.
Other names: c.1335_1363del, p.Leu447fs (NM_001113755.3, NM_001113756.3, NM_001257988.1); c.1350_1378del, p.Leu452fs (NM_001257989.1); c.-14+362_-14+390del (NM_001169109.2); c.-14+117_-14+145del (NM_001169110.1); short protein forms L447fs, L452fs.
Identifiers: ClinVar variation 4814984 (VCV004814984.1).
Genomic context (GRCh38, chr22:50,525,855, plus strand): 5'-TCTGCGAAGGGCGAGGGGGCGGCGAATGGCGCGCGGTCGGAGAGTACGAGCGCCTCCTGC[AGGGCGCGGCTCTGCGGGCCGCTGAGCGCG>A]GGGCCGTCCCGGTGCACGCGGAGCCAGGGGGTCCCTGCAGAGCGAGGGGCTGTTAGAGGC-3'

ClinVar aggregate classification (germline): Likely pathogenic (1 of 4 stars; one submission).

Conditions:
Mitochondrial neurogastrointestinal encephalomyopathy. Also called: Mitochondrial neurogastrointestinal encephalopathy syndrome; MNGIE syndrome; Thymidine phosphorylase deficiency. Identifiers: Orphanet 298, MedGen C0872218, MONDO:0017575.

Submission:

Natera, Inc.
Classification: Likely pathogenic for Mitochondrial neurogastrointestinal encephalomyopathy. Last evaluated: 2025-12-09. Review status: criteria provided, single submitter. Criteria: Natera Variant Classification Schema (03/2026). Collection method: clinical testing. Allele origin: germline.
Comment: The c.1335_1363del variant in TYMP is a frameshift variant predicted to elongate the protein beyond the termination codon. This variant is expected to result in nonsense mediated decay, truncation, or a dysfunctional protein product. This variant is rare in the general population with a frequency below the threshold expected for the associated phenotype(s). Given the available evidence, this variant is classified as Likely Pathogenic.